The following is an entry in ClinVar:

NM_000238.4(KCNH2):c.2399-22_2399-12del

Gene: KCNH2 (potassium voltage-gated channel subfamily H member 2; minus strand). Cytogenetic location: 7q36.1.
Variant type: Deletion.
Coding change: c.2399-22_2399-12del on transcript NM_000238.4 (MANE Select); 22 bases into the intron before coding-DNA position 2399 through 12 bases into the intron before coding-DNA position 2399, 11 bases deleted (CTGTCCTCTCC).
Molecular consequence: intron variant.
Genome position (GRCh38, 1-based): chr7:150,949,061-150,949,071, GGAGAGGACAG deleted on the plus strand (CTGTCCTCTCC on the coding strand, the reverse complement: KCNH2 is on the minus strand); deleting any 11 consecutive bases within chr7:150,949,061-150,949,075 gives the same sequence; the c. name uses the placement nearest the transcript's 3' end. VCF-style (leftmost placement, unchanged base first): chr7-150949060-TGGAGAGGACAG-T. GRCh37 (hg19) VCF-style: chr7-150646148-TGGAGAGGACAG-T.
Other names: c.1379-22_1379-12del (NM_172057.3).
Identifiers: ClinVar variation 2033984 (VCV002033984.4), dbSNP rs2486016464, ClinGen allele CA2580077785.

ClinVar aggregate classification (germline): Uncertain significance (1 of 4 stars; one submission).

Conditions:
Long QT syndrome (LQTS). Identifiers: MedGen C0023976, MeSH D008133, MONDO:0002442. Disease mechanism: loss of function. Inheritance: Various modes of inheritance.

Submission:

Labcorp Genetics (formerly Invitae), Labcorp
Classification: Uncertain significance for Long QT syndrome. Last evaluated: 2022-10-04. Review status: criteria provided, single submitter. Criteria: Invitae Variant Classification Sherloc (09022015). Collection method: clinical testing. Allele origin: germline.
Comment: In summary, the available evidence is currently insufficient to determine the role of this variant in disease. Therefore, it has been classified as a Variant of Uncertain Significance. Algorithms developed to predict the effect of sequence changes on RNA splicing suggest that this variant may disrupt the consensus splice site. This variant has not been reported in the literature in individuals affected with KCNH2-related conditions. This variant is not present in population databases (gnomAD no frequency). This sequence change falls in intron 9 of the KCNH2 gene. It does not directly change the encoded amino acid sequence of the KCNH2 protein.